The following is an entry in ClinVar:

ClinVar aggregate classification (germline): Likely benign (0 of 4 stars; one submission).

Conditions:
ASH1L-related disorder. Also called: ASH1L-related condition.

gnomAD v4.1: 44 of 1,613,882 alleles (0.0027%); highest among the groups gnomAD compares: Non-Finnish European, 0.0037%; no homozygotes.

Submission:

PreventionGenetics, part of Exact Sciences
Classification: Likely benign for ASH1L-related condition. Last evaluated: 2024-09-13. Review status: no assertion criteria provided. Collection method: clinical testing. Allele origin: germline.
Comment: This variant is classified as likely benign based on ACMG/AMP sequence variant interpretation guidelines (Richards et al. 2015 PMID: 25741868, with internal and published modifications).

NM_018489.3(ASH1L):c.1416G>C (p.Gln472His)

Gene: ASH1L (ASH1 like histone lysine methyltransferase; minus strand). Cytogenetic location: 1q22.
Variant type: single nucleotide variant.
Coding change: c.1416G>C on transcript NM_018489.3 (MANE Select); coding-DNA position 1416, G replaced by C.
Protein change: p.Gln472His; replaces glutamine 472 with histidine.
Molecular consequence: missense variant.
Genome position (GRCh38, 1-based): chr1:155,481,454, C>G on the plus strand (G>C on the coding strand, the complement: ASH1L is on the minus strand). VCF-style: chr1-155481454-C-G. GRCh37 (hg19) VCF-style: chr1-155451245-C-G.
Other names: c.1416G>C, p.Gln472His (NM_001366177.2); short protein forms Q472H.
Identifiers: ClinVar variation 3355332 (VCV003355332.1).
Genomic context (GRCh38, chr1:155,481,454, plus strand): 5'-TTTCTCCAAATTAATGATTTCTTTTCGTACTGAGAACTTTTCCAATATGCTTTCTTTATT[C>G]TGCCGTACAACATTCTTTTCAAAAGTTTTGCTGGTGGCACTATCTTTCAGGGATTCAGAA-3'
Protein context (NP_060959.2, residues 462-482): SKTFEKNVVR[Gln472His]NKESILEKFS